The following is an entry in ClinVar:

NM_000540.3(RYR1):c.4319_4325del (p.Ala1440fs)

Gene: RYR1 (ryanodine receptor 1; plus strand). Cytogenetic location: 19q13.2.
Variant type: Deletion.
Coding change: c.4319_4325del on transcript NM_000540.3 (MANE Select); coding-DNA positions 4319 to 4325, 7 bases deleted (CTGGACA; older notation c.4319_4325delCTGGACA).
Protein change: p.Ala1440fs; shifts the reading frame from alanine 1440.
Molecular consequence: frameshift variant.
Genome position (GRCh38, 1-based): chr19:38,477,735-38,477,741, CTGGACA deleted. VCF-style (leftmost placement, unchanged base first): chr19-38477734-GCTGGACA-G. GRCh37 (hg19) VCF-style: chr19-38968374-GCTGGACA-G.
Other names: c.4319_4325del, p.Ala1440fs (NM_001042723.2); short protein forms A1440fs.
Identifiers: ClinVar variation 2111346 (VCV002111346.4), dbSNP rs2514176987, ClinGen allele CA2580096934.

ClinVar aggregate classification (germline): Pathogenic (1 of 4 stars; one submission).

Conditions:
RYR1-related disorder. Also called: RYR1-related condition; RYR1-related disorders. Identifiers: MedGen CN239331.

Submission:

Labcorp Genetics (formerly Invitae), Labcorp
Classification: Pathogenic for RYR1-related disorder. Last evaluated: 2024-04-30. Review status: criteria provided, single submitter. Criteria: Invitae Variant Classification Sherloc (09022015). Collection method: clinical testing. Allele origin: germline.
Comment: This sequence change creates a premature translational stop signal (p.Ala1440Glyfs*20) in the RYR1 gene. It is expected to result in an absent or disrupted protein product. Loss-of-function variants in RYR1 are known to be pathogenic (PMID: 23919265, 25960145, 28818389, 30611313). This variant is not present in population databases (gnomAD no frequency). This variant has not been reported in the literature in individuals affected with RYR1-related conditions. ClinVar contains an entry for this variant (Variation ID: 2111346). For these reasons, this variant has been classified as Pathogenic.

Literature cited by the submitters: PubMed 23919265; PubMed 25960145; PubMed 28818389; PubMed 30611313.